The following is an entry in ClinVar:

ClinVar aggregate classification (germline): Pathogenic (1 of 4 stars; one submission).

Conditions:
Familial adenomatous polyposis 1 (FAP1). Also called: FAMILIAL ADENOMATOUS POLYPOSIS 1, ATTENUATED; POLYPOSIS, ADENOMATOUS INTESTINAL. Identifiers: MedGen C2713442, MONDO:0021056, OMIM 175100. Disease mechanism: loss of function.

Submission:

Labcorp Genetics (formerly Invitae), Labcorp
Classification: Pathogenic for Familial adenomatous polyposis 1. Last evaluated: 2025-06-18. Review status: criteria provided, single submitter. Criteria: Invitae Variant Classification Sherloc (09022015). Collection method: clinical testing. Allele origin: germline.
Comment: This sequence change creates a premature translational stop signal (p.Lys1456*) in the APC gene. While this is not anticipated to result in nonsense mediated decay, it is expected to disrupt the last 1388 amino acid(s) of the APC protein. This variant is not present in population databases (gnomAD no frequency). This variant has not been reported in the literature in individuals affected with APC-related conditions. This variant is expected to disrupt the EB1 and HDLG binding sites, which mediate interactions with the cytoskeleton (PMID: 15311282, 17293347). While functional studies have not been performed to directly test the effect on APC protein function, this suggests that disruption of the C-terminal portion of the protein is functionally important. A different truncation (p.Tyr2645Lysfs*14) that lies downstream of this variant has been determined to be pathogenic (PMID: 9824584, 1316610, 27081525, 8381579, 22135120, internal data). This suggests that deletion of this region of the APC protein is causative of disease. For these reasons, this variant has been classified as Pathogenic.

Literature cited by the submitters: PubMed 15311282; PubMed 17293347; PubMed 9824584; PubMed 1316610; PubMed 27081525; PubMed 8381579; PubMed 22135120.

NM_000038.6(APC):c.4366A>T (p.Lys1456Ter)

Gene: APC (APC regulator of Wnt signaling pathway; plus strand). Cytogenetic location: 5q22.2.
Variant type: single nucleotide variant.
Coding change: c.4366A>T on transcript NM_000038.6 (MANE Select); coding-DNA position 4366, A replaced by T.
Protein change: p.Lys1456Ter; replaces lysine 1456 with a stop codon.
Molecular consequence: nonsense. On other transcripts: non-coding transcript variant (2).
Genome position (GRCh38, 1-based): chr5:112,839,960, A>T. VCF-style: chr5-112839960-A-T. GRCh37 (hg19) VCF-style: chr5-112175657-A-T.
Other names: c.4420A>T, p.Lys1474Ter (NM_001407447.1, NM_001407448.1, NM_001407449.1 and 1 more transcripts); c.4366A>T, p.Lys1456Ter (NM_001407450.1, NM_001127510.3, NM_001354895.2); c.4345A>T, p.Lys1449Ter (NM_001407451.1); c.4117A>T, p.Lys1373Ter (NM_001407457.1, NM_001407454.1, NM_001407456.1 and 1 more transcripts); c.4189A>T, p.Lys1397Ter (NM_001407453.1, NM_001354901.2); c.4336A>T, p.Lys1446Ter (NM_001407452.1); c.4063A>T, p.Lys1355Ter (NM_001407458.1, NM_001354903.2, NM_001407459.1 and 1 more transcripts); c.4312A>T, p.Lys1438Ter (NM_001127511.3); and 11 more; short protein forms K1355*, K1373*, K1397*, K1484*, K1072*, K1296*, K1330*, K1365*.
Identifiers: ClinVar variation 4721654 (VCV004721654.1).